The following is an entry in ClinVar:

NM_020987.5(ANK3):c.1974C>T (p.Asn658=)

Gene: ANK3 (ankyrin 3; minus strand). Cytogenetic location: 10q21.2.
Variant type: single nucleotide variant.
Coding change: c.1974C>T on transcript NM_020987.5 (MANE Select); coding-DNA position 1974, C replaced by T.
Protein change: p.Asn658=; no amino-acid change (asparagine 658 retained).
Molecular consequence: synonymous variant.
Genome position (GRCh38, 1-based): chr10:60,186,826, G>A on the plus strand (C>T on the coding strand, the complement: ANK3 is on the minus strand). VCF-style: chr10-60186826-G-A. GRCh37 (hg19) VCF-style: chr10-61946584-G-A.
Other names: c.1956C>T, p.Asn652= (NM_001204403.2); c.1923C>T, p.Asn641= (NM_001204404.2); c.1974C>T, p.Asn658= (NM_001320874.2).
Identifiers: ClinVar variation 1582288 (VCV001582288.16), dbSNP rs140802599, ClinGen allele CA5512978.

ClinVar aggregate classification (germline): Likely benign. Review status: criteria provided, multiple submitters, no conflicts (2 of 4 stars). 2 submissions from 2 submitters: Likely benign (2). Last evaluated 2025-12-08.

Allele frequency attached by ClinVar (database versions not stated): gnomAD 0.00057 and 0.00056; 1000 Genomes Project 0.00060; ESP Exome Variant Server 0.00069; TOPMed 0.00073; 1000 Genomes Project 30x 0.00078; ExAC 0.00022; gnomAD exomes 0.00024.
gnomAD v4.1: 313 of 1,614,180 alleles (0.019%); highest among the groups gnomAD compares: African/African-American, 0.17%; 1 homozygote.

Submissions (2):

Labcorp Genetics (formerly Invitae), Labcorp
Classification: Likely benign. Last evaluated: 2025-12-08. Review status: criteria provided, single submitter. Criteria: Invitae Variant Classification Sherloc (09022015). Collection method: clinical testing. Allele origin: germline.

CeGaT Center for Human Genetics Tuebingen
Classification: Likely benign. Last evaluated: 2025-06-01. Review status: criteria provided, single submitter. Criteria: CeGaT Center For Human Genetics Tuebingen Variant Classification Criteria Version 2. Collection method: clinical testing. Allele origin: germline. Affected: yes. Observed: 1 variant allele.
Comment: ANK3: BP4, BP7